The following is an entry in ClinVar:

NM_000018.4(ACADVL):c.552C>A (p.Ile184=)

Gene: ACADVL (acyl-CoA dehydrogenase very long chain; plus strand). Cytogenetic location: 17p13.1.
Variant type: single nucleotide variant.
Coding change: c.552C>A on transcript NM_000018.4 (MANE Select); coding-DNA position 552, C replaced by A.
Protein change: p.Ile184=; no amino-acid change (isoleucine 184 retained).
Molecular consequence: synonymous variant.
Genome position (GRCh38, 1-based): chr17:7,221,612, C>A. VCF-style: chr17-7221612-C-A. GRCh37 (hg19) VCF-style: chr17-7124931-C-A.
Other names: c.486C>A, p.Ile162= (NM_001033859.3); c.621C>A, p.Ile207= (NM_001270447.2); c.324C>A, p.Ile108= (NM_001270448.2).
Identifiers: ClinVar variation 1699014 (VCV001699014.3), dbSNP rs770961747, ClinGen allele CA497693761.

ClinVar aggregate classification (germline): Pathogenic (1 of 4 stars; one submission).

Conditions:
Very long chain acyl-CoA dehydrogenase deficiency (ACADVLD). Also called: VLCAD Deficiency; Very Long-Chain Acyl-Coenzyme A Dehydrogenase Deficiency. Identifiers: Orphanet 26793, MedGen C3887523, MONDO:0008723, OMIM 201475.

gnomAD v4.1: 3 of 1,614,082 alleles (0.00019%); highest among the groups gnomAD compares: Non-Finnish European, 0.00025%; no homozygotes.

Submission:

Victorian Clinical Genetics Services, Murdoch Childrens Research Institute
Classification: Pathogenic for Very long chain acyl-CoA dehydrogenase deficiency. Last evaluated: 2022-06-24. Review status: criteria provided, single submitter. Criteria: ACMG Guidelines, 2015. Collection method: clinical testing. Allele origin: germline. Inheritance: Autosomal recessive inheritance. Affected: yes.
Comment: Based on the classification scheme VCGS_Germline_v1.3.4, this variant is classified as Pathogenic. Following criteria are met: 0102 - Loss of function is a known mechanism of disease in this gene and is associated with VLCAD deficiency (MIM# 201475). (I) 0106 - This gene is associated with autosomal recessive disease. (I) 0210 - Splice site variant proven to affect splicing of the transcript with a known effect on protein sequence. Fibroblasts of this proband were analysed using RNAseq and allelic specific expression was performed, showing that this variant causes an out-of-frame exon 7 skipping resulting in NMD (Rare Diseases Now Research Project, individual RDN0001-00). (SP) 0251 - This variant is heterozygous. (I) 0301 - Variant is absent from gnomAD (both v2 and v3). (SP) 0311 - An alternative nucleotide change is present in gnomAD (v2) at a frequency of 0.00003181 (8 heterozygotes, 0 homozygotes). (SB) 0701 - Other variants predicted to result in NMD comparable to the one identified in this case have very strong previous evidence for pathogenicity (DECIPHER). (SP) 0807 - This variant has no previous evidence of pathogenicity. (I) 0905 - No published segregation evidence has been identified for this variant. (I) 1005 - Clinically accredited laboratory assay specific to gene product shows abnormal protein function. (I) Legend: (SP) - Supporting pathogenic, (I) - Information, (SB) - Supporting benign